The following is an entry in ClinVar:

ClinVar aggregate classification (germline): Uncertain significance (1 of 4 stars; one submission).

Conditions:
Autosomal dominant nonsyndromic hearing loss 56. Also called: Deafness, autosomal dominant 56. Identifiers: Orphanet 90635, MedGen C3810170, MONDO:0014283, OMIM 615629.

Allele frequency attached by ClinVar (database versions not stated): gnomAD exomes 0.00001; TOPMed 0.00001; ExAC 0.00002.
gnomAD v4.1: 8 of 1,610,082 alleles (0.0005%); highest among the groups gnomAD compares: East Asian, 0.016%; no homozygotes.

Submission:

Victorian Clinical Genetics Services, Murdoch Childrens Research Institute
Classification: Uncertain significance for Autosomal dominant nonsyndromic hearing loss 56. Last evaluated: 2019-08-28. Review status: criteria provided, single submitter. Criteria: ACMG Guidelines, 2015. Collection method: clinical testing. Allele origin: germline. Inheritance: Autosomal dominant inheritance. Affected: yes.
Comment: A heterozygous missense variant was identified, NM_002160.3(TNC):c.2434A>G in exon 7 of 28 of the TNC gene. This substitution is predicted to create a minor amino acid change from lysine to glutamic acid at position 812 of the protein, NP_002151.2(TNC):p.(Lys812Glu). The lysine at this position has low conservation (100 vertebrates, UCSC), and is located within the Fibronectin type III domain. In silico software predicts this variant to be disease causing (Polyphen, SIFT, CADD, Mutation Taster). The variant is present in the gnomAD population database at a frequency of 0.04% in East Asian (7 heterozygotes, 0 homozygotes). This variant has not been previously reported in clinical cases. Based on information available at the time of curation, this variant has been classified as a VARIANT of UNCERTAIN SIGNIFICANCE (VUS).

NM_002160.4(TNC):c.2434A>G (p.Lys812Glu)

Gene: TNC (tenascin C; minus strand). Cytogenetic location: 9q33.1.
Variant type: single nucleotide variant.
Coding change: c.2434A>G on transcript NM_002160.4 (MANE Select); coding-DNA position 2434, A replaced by G.
Protein change: p.Lys812Glu; replaces lysine 812 with glutamic acid.
Molecular consequence: missense variant.
Genome position (GRCh38, 1-based): chr9:115,078,183, T>C on the plus strand (A>G on the coding strand, the complement: TNC is on the minus strand). VCF-style: chr9-115078183-T-C. GRCh37 (hg19) VCF-style: chr9-117840462-T-C.
Other names: c.2434A>G, p.Lys812Glu (NM_001410991.1); short protein forms K812E.
Identifiers: ClinVar variation 1806244 (VCV001806244.1), dbSNP rs781331873, ClinGen allele CA5208520.